The following is an entry in ClinVar:

NM_021930.6(RINT1):c.1195T>C (p.Cys399Arg)

Gene: RINT1 (RAD50 interactor 1; plus strand). Cytogenetic location: 7q22.3.
Variant type: single nucleotide variant.
Coding change: c.1195T>C on transcript NM_021930.6 (MANE Select); coding-DNA position 1195, T replaced by C.
Protein change: p.Cys399Arg; replaces cysteine 399 with arginine.
Molecular consequence: missense variant. On other transcripts: non-coding transcript variant (1).
Genome position (GRCh38, 1-based): chr7:105,550,348, T>C. VCF-style: chr7-105550348-T-C. GRCh37 (hg19) VCF-style: chr7-105190795-T-C.
Other names: c.961T>C, p.Cys321Arg (NM_001346599.2); c.172T>C, p.Cys58Arg (NM_001346600.2, NM_001346603.2); c.271T>C, p.Cys91Arg (NM_001346601.2); short protein forms C321R, C91R, C399R, C58R.
Identifiers: ClinVar variation 4841721 (VCV004841721.1).
Genomic context (GRCh38, chr7:105,550,348, plus strand): 5'-CTGGTTCTTGAGAAGTTAGCCACTGATATTCCTTGTCTGCTATATGATGACAATCTCTTC[T>C]GTCATTTGGTGGATGAAGTACTCTTGTTTGAAAGGGAGCTACACAGTGTTCATGGCTATC-3'
Protein context (NP_068749.3, residues 389-409): PCLLYDDNLF[Cys399Arg]HLVDEVLLFE

ClinVar aggregate classification (germline): Uncertain significance (1 of 4 stars; one submission).

Submission:

Ambry Genetics
Classification: Uncertain significance. Last evaluated: 2026-01-14. Review status: criteria provided, single submitter. Criteria: Ambry Variant Classification Scheme 2023. Collection method: clinical testing. Allele origin: germline.
Comment: The p.C399R variant (also known as c.1195T>C), located in coding exon 9 of the RINT1 gene, results from a T to C substitution at nucleotide position 1195. The cysteine at codon 399 is replaced by arginine, an amino acid with highly dissimilar properties. This amino acid position is conserved. In addition, the in silico prediction for this alteration is inconclusive. Based on the available evidence, the clinical significance of this variant remains unclear.